The following is an entry in ClinVar:

NM_002775.5(HTRA1):c.893G>A (p.Ser298Asn)

Gene: HTRA1 (HtrA serine peptidase 1; plus strand). Cytogenetic location: 10q26.13.
Variant type: single nucleotide variant.
Coding change: c.893G>A on transcript NM_002775.5 (MANE Select); coding-DNA position 893, G replaced by A.
Protein change: p.Ser298Asn; replaces serine 298 with asparagine.
Molecular consequence: missense variant.
Genome position (GRCh38, 1-based): chr10:122,506,806, G>A. VCF-style: chr10-122506806-G-A. GRCh37 (hg19) VCF-style: chr10-124266322-G-A.
Other names: short protein forms S298N.
Identifiers: ClinVar variation 1311703 (VCV001311703.2), dbSNP rs2133449462, ClinGen allele CA378585683.
Genomic context (GRCh38, chr10:122,506,806, plus strand): 5'-TCGTGGTCGCCATCGGAAGCCCGTTTTCCCTTCAAAACACAGTCACCACCGGGATCGTGA[G>A]CACCACCCAGCGAGGCGGCAAAGAGCTGGGGCTCCGCAACTCAGACATGGACTACATCCA-3'
Protein context (NP_002766.1, residues 288-308): LQNTVTTGIV[Ser298Asn]TTQRGGKELG

ClinVar aggregate classification (germline): Uncertain significance (1 of 4 stars; one submission).

Submission:

GeneDx
Classification: Uncertain significance. Last evaluated: 2019-12-30. Review status: criteria provided, single submitter. Criteria: GeneDx Variant Classification Process June 2021. Collection method: clinical testing. Allele origin: germline. Affected: yes.
Comment: Not observed in large population cohorts (Lek et al., 2016); In silico analysis, which includes protein predictors and evolutionary conservation, supports a deleterious effect; Has not been previously published as pathogenic or benign to our knowledge; Missense variants in nearby residues reported in the Human Gene Mutation Database (Stenson et al., 2014)